The following is an entry in ClinVar:

ClinVar aggregate classification (germline): Uncertain significance. Review status: criteria provided, multiple submitters, no conflicts (2 of 4 stars). 2 submissions from 2 submitters: Uncertain significance (2). Last evaluated 2024-10-29.

Conditions:
Inborn genetic diseases. Identifiers: MedGen C0950123, MeSH D030342.

Allele frequency attached by ClinVar (database versions not stated): gnomAD 0.00001; TOPMed 0.00003.
gnomAD v4.1: 26 of 1,611,506 alleles (0.0016%); highest among the groups gnomAD compares: African/African-American, 0.0027%; no homozygotes.

Submissions (2):

Labcorp Genetics (formerly Invitae), Labcorp
Classification: Uncertain significance. Last evaluated: 2024-10-29. Review status: criteria provided, single submitter. Criteria: Invitae Variant Classification Sherloc (09022015). Collection method: clinical testing. Allele origin: germline.
Comment: This sequence change replaces arginine, which is basic and polar, with glycine, which is neutral and non-polar, at codon 56 of the DUOX2 protein (p.Arg56Gly). This variant is present in population databases (no rsID available, gnomAD 0.007%). This variant has not been reported in the literature in individuals affected with DUOX2-related conditions. ClinVar contains an entry for this variant (Variation ID: 2178444). Invitae Evidence Modeling of protein sequence and biophysical properties (such as structural, functional, and spatial information, amino acid conservation, physicochemical variation, residue mobility, and thermodynamic stability) indicates that this missense variant is not expected to disrupt DUOX2 protein function with a negative predictive value of 80%. In summary, the available evidence is currently insufficient to determine the role of this variant in disease. Therefore, it has been classified as a Variant of Uncertain Significance.

Ambry Genetics
Classification: Uncertain significance for Inborn genetic diseases. Last evaluated: 2022-10-26. Review status: criteria provided, single submitter. Criteria: Ambry Variant Classification Scheme 2023. Collection method: clinical testing. Allele origin: germline.

NM_001363711.2(DUOX2):c.166C>G (p.Arg56Gly)

Gene: DUOX2 (dual oxidase 2; minus strand). Cytogenetic location: 15q21.1.
Variant type: single nucleotide variant.
Coding change: c.166C>G on transcript NM_001363711.2 (MANE Select); coding-DNA position 166, C replaced by G.
Protein change: p.Arg56Gly; replaces arginine 56 with glycine.
Molecular consequence: missense variant.
Genome position (GRCh38, 1-based): chr15:45,112,713, G>C on the plus strand (C>G on the coding strand, the complement: DUOX2 is on the minus strand). VCF-style: chr15-45112713-G-C. GRCh37 (hg19) VCF-style: chr15-45404911-G-C.
Other names: c.166C>G, p.Arg56Gly (NM_014080.5); c.166C>G (NM_014080.4); short protein forms R56G.
Identifiers: ClinVar variation 2178444 (VCV002178444.3), dbSNP rs767614677, ClinGen allele CA270135359.